The following is an entry in ClinVar:

NM_016553.5(NUP62):c.823GCCACC[4] (p.Thr280_Thr281insAlaThr)

Genes: IL4I1 (interleukin 4 induced 1; minus strand), NUP62 (nucleoporin 62; minus strand). Cytogenetic location: 19q13.33.
Variant type: Microsatellite.
Coding change: c.823GCCACC[4] on transcript NM_016553.5 (MANE Select); four copies in a row of the 6-base unit GCCACC starting at c.823; the reference has three copies in a row; one copy, 6 bases duplicated.
Protein change: p.Thr280_Thr281insAlaThr.
Molecular consequence: inframe insertion. On other transcripts: intron variant (3).
Genome position (GRCh38, 1-based): chr19:49,908,968-49,908,973, GGTGGC duplicated on the plus strand (GCCACC on the coding strand, the reverse complement: NUP62 is on the minus strand); duplicating any 6 consecutive bases within chr19:49,908,968-49,908,985 gives the same sequence; the position shown is the placement nearest the transcript's 3' end. VCF-style (leftmost placement, unchanged base first): chr19-49908967-T-TGGTGGC. GRCh37 (hg19) VCF-style: chr19-50412224-T-TGGTGGC.
Other names: c.823GCCACC[4], p.Thr280_Thr281insAlaThr (NM_001193357.2, NM_012346.5, NM_153718.4 and 1 more transcripts); c.-227-4664GCCACC[4] (NM_001258017.2, NM_172374.3); c.-285-4664GCCACC[4] (NM_001258018.2).
Identifiers: ClinVar variation 1437654 (VCV001437654.7), dbSNP rs762665664, ClinGen allele CA9589019.

ClinVar aggregate classification (germline): Uncertain significance (1 of 4 stars; one submission).

Submission:

Labcorp Genetics (formerly Invitae), Labcorp
Classification: Uncertain significance. Last evaluated: 2024-09-10. Review status: criteria provided, single submitter. Criteria: Invitae Variant Classification Sherloc (09022015). Collection method: clinical testing. Allele origin: germline.
Comment: This variant, c.835_840dup, results in the insertion of 2 amino acid(s) of the NUP62 protein (p.Ala279_Thr280dup), but otherwise preserves the integrity of the reading frame. This variant is present in population databases (rs769647495, gnomAD 0.04%). This variant has not been reported in the literature in individuals affected with NUP62-related conditions. In summary, the available evidence is currently insufficient to determine the role of this variant in disease. Therefore, it has been classified as a Variant of Uncertain Significance.